The following is an entry in ClinVar:

NM_001002295.2(GATA3):c.868C>T (p.Leu290Phe)

Gene: GATA3 (GATA binding protein 3; plus strand). Cytogenetic location: 10p14.
Variant type: single nucleotide variant.
Coding change: c.868C>T on transcript NM_001002295.2 (MANE Select); coding-DNA position 868, C replaced by T.
Protein change: p.Leu290Phe; replaces leucine 290 with phenylalanine.
Molecular consequence: missense variant. On other transcripts: 5 prime UTR variant (1), intron variant (1).
Genome position (GRCh38, 1-based): chr10:8,064,082, C>T. VCF-style: chr10-8064082-C-T. GRCh37 (hg19) VCF-style: chr10-8106045-C-T.
Other names: c.868C>T, p.Leu290Phe (NM_001441115.1, NM_001441116.1, NM_001441117.1 and 9 more transcripts); c.865C>T, p.Leu289Phe (NM_001441124.1, NM_001441125.1, NM_001441126.1 and 5 more transcripts); c.-12C>T (NM_001441135.1); c.778+5241C>T (NM_001441134.1); short protein forms L289F, L290F.
Identifiers: ClinVar variation 4887045 (VCV004887045.1).

ClinVar aggregate classification (germline): Likely pathogenic (1 of 4 stars; one submission).

Conditions:
Monogenic hearing loss.

Submission:

North West Genomic Laboratory Hub, Manchester University NHS Foundation Trust
Classification: Likely pathogenic for Monogenic hearing loss. Last evaluated: 2025-09-04. Review status: criteria provided, single submitter. Criteria: ACGS Best Practice Guidelines for Variant Classification in Rare Disease 2024. Collection method: clinical testing. Allele origin: germline. Affected: yes.
Comment: PM2_Mod PP4_Mod PP3_Supp PM1_Supp